The following is an entry in ClinVar:

ClinVar aggregate classification (germline): Uncertain significance. Review status: criteria provided, multiple submitters, no conflicts (2 of 4 stars). 5 submissions from 5 submitters: Uncertain significance (5). Last evaluated 2026-06-29.

Conditions:
Merosin deficient congenital muscular dystrophy (MDC1A). Also called: Congenital Muscular Dystrophy Type 1A (MDC1A); Congenital merosin-deficient muscular dystrophy 1A. Identifiers: Orphanet 258, MedGen C1263858, MONDO:0011925, OMIM 607855.
LAMA2-related muscular dystrophy (LAMA2-RD). Also called: Laminin alpha 2-related dystrophy. Identifiers: MedGen C5679788, MONDO:0100228.

Allele frequency attached by ClinVar (database versions not stated): TOPMed below 0.00001; gnomAD 0.00001.
gnomAD v4.1: 3 of 1,612,298 alleles (0.00019%); highest among the groups gnomAD compares: Non-Finnish European, 0.00025%; no homozygotes.

Submissions (5):

Laboratory of Medical Genetics, University of Torino
Classification: Uncertain significance for Merosin deficient congenital muscular dystrophy. Last evaluated: 2026-06-29. Review status: criteria provided, single submitter. Criteria: ACMG Guidelines, 2015. Collection method: clinical testing. Allele origin: maternal. Affected: yes.

Women's Health and Genetics/Laboratory Corporation of America, LabCorp
Classification: Uncertain significance. Last evaluated: 2025-10-20. Review status: criteria provided, single submitter. Criteria: LabCorp Variant Classification Summary - May 2015. Collection method: clinical testing. Allele origin: germline.
Comment: Variant summary: LAMA2 c.6624G>C (p.Trp2208Cys) results in a non-conservative amino acid change in the encoded protein sequence. Algorithms developed to predict the effect of missense changes on protein structure and function all suggest that this variant is likely to be disruptive. The variant was absent in 251132 control chromosomes. The available data on variant occurrences in the general population are insufficient to allow any conclusion about variant significance. These data do not allow any conclusion about variant significance. To our knowledge, no experimental evidence demonstrating an impact on protein function has been reported. The following publications have been ascertained in the context of this evaluation (PMID: 32528171). ClinVar contains an entry for this variant (Variation ID: 639721). Based on the evidence outlined above, the variant was classified as uncertain significance.

Blueprint Genetics
Classification: Uncertain significance. Last evaluated: 2024-10-03. Review status: criteria provided, single submitter. Criteria: ACMG Guidelines, 2015. Collection method: clinical testing. Allele origin: germline.

Labcorp Genetics (formerly Invitae), Labcorp
Classification: Uncertain significance for LAMA2-related muscular dystrophy. Last evaluated: 2021-09-15. Review status: criteria provided, single submitter. Criteria: Invitae Variant Classification Sherloc (09022015). Collection method: clinical testing. Allele origin: germline.
Comment: This sequence change replaces tryptophan with cysteine at codon 2208 of the LAMA2 protein (p.Trp2208Cys). The tryptophan residue is highly conserved and there is a large physicochemical difference between tryptophan and cysteine. This variant is not present in population databases (ExAC no frequency). This missense change has been observed in individual(s) with clinical features of congenital muscular dystrophy (Invitae). In at least one individual the data is consistent with the variant being in trans (on the opposite chromosome) from a pathogenic variant. ClinVar contains an entry for this variant (Variation ID: 639721). Algorithms developed to predict the effect of missense changes on protein structure and function are either unavailable or do not agree on the potential impact of this missense change (SIFT: "Deleterious"; PolyPhen-2: "Probably Damaging"; Align-GVGD: "Class C0"). In summary, the available evidence is currently insufficient to determine the role of this variant in disease. Therefore, it has been classified as a Variant of Uncertain Significance.

Centre for Mendelian Genomics, University Medical Centre Ljubljana
Classification: Uncertain significance for Merosin deficient congenital muscular dystrophy. Last evaluated: 2020-03-23. Review status: criteria provided, single submitter. Criteria: ACMG Guidelines, 2015. Collection method: clinical testing. Allele origin: unknown. Affected: yes.
Comment: This variant was classified as: Uncertain significance. The available evidence favors the pathogenic nature of this variant, however the currently available data is insufficient to conclusively support its pathogenic nature. Thus this variant is classified as Uncertain significance - favor pathogenic. The following ACMG criteria were applied in classifying this variant: PM2,PP3,PP4.

Literature cited by the submitters: PubMed 32528171 (cited by Women's Health and Genetics/Laboratory Corporation of America, LabCorp).

NM_000426.4(LAMA2):c.6624G>C (p.Trp2208Cys)

Gene: LAMA2 (laminin subunit alpha 2; plus strand). Cytogenetic location: 6q22.33.
Variant type: single nucleotide variant.
Coding change: c.6624G>C on transcript NM_000426.4 (MANE Select); coding-DNA position 6624, G replaced by C.
Protein change: p.Trp2208Cys; replaces tryptophan 2208 with cysteine.
Molecular consequence: missense variant.
Genome position (GRCh38, 1-based): chr6:129,454,205, G>C. VCF-style: chr6-129454205-G-C. GRCh37 (hg19) VCF-style: chr6-129775350-G-C.
Other names: c.6624G>C, p.Trp2208Cys (NM_001079823.2); short protein forms W2208C.
Identifiers: ClinVar variation 639721 (VCV000639721.14), dbSNP rs1294289973, ClinGen allele CA365617021.